The following is an entry in ClinVar:

ClinVar aggregate classification (germline): Uncertain significance (1 of 4 stars; one submission).

Conditions:
Leukocyte adhesion deficiency 3. Also called: INTEGRIN ACTIVATION DEFICIENCY DISEASE; LEUKOCYTE ADHESION DEFICIENCY 1 VARIANT; Leukocyte adhesion deficiency, type III. Identifiers: Orphanet 2968, Orphanet 99844, MedGen C2748536, MONDO:0013016, OMIM 612840.

Allele frequency attached by ClinVar (database versions not stated): TOPMed 0.00002; gnomAD exomes 0.00016; gnomAD 0.00017 and 0.00018; ExAC 0.00020; ESP Exome Variant Server 0.00023.
gnomAD v4.1: 172 of 1,613,022 alleles (0.011%); highest among the groups gnomAD compares: Non-Finnish European, 0.0053%; no homozygotes.

Submission:

Labcorp Genetics (formerly Invitae), Labcorp
Classification: Uncertain significance for Leukocyte adhesion deficiency 3. Last evaluated: 2024-10-24. Review status: criteria provided, single submitter. Criteria: Invitae Variant Classification Sherloc (09022015). Collection method: clinical testing. Allele origin: germline.
Comment: This sequence change replaces alanine, which is neutral and non-polar, with threonine, which is neutral and polar, at codon 189 of the FERMT3 protein (p.Ala189Thr). This variant is present in population databases (rs200176196, gnomAD 0.2%). This variant has not been reported in the literature in individuals affected with FERMT3-related conditions. ClinVar contains an entry for this variant (Variation ID: 649164). Invitae Evidence Modeling of protein sequence and biophysical properties (such as structural, functional, and spatial information, amino acid conservation, physicochemical variation, residue mobility, and thermodynamic stability) indicates that this missense variant is not expected to disrupt FERMT3 protein function with a negative predictive value of 80%. In summary, the available evidence is currently insufficient to determine the role of this variant in disease. Therefore, it has been classified as a Variant of Uncertain Significance.

NM_031471.6(FERMT3):c.565G>A (p.Ala189Thr)

Gene: FERMT3 (FERM domain containing kindlin 3; plus strand). Cytogenetic location: 11q13.1.
Variant type: single nucleotide variant.
Coding change: c.565G>A on transcript NM_031471.6 (MANE Select); coding-DNA position 565, G replaced by A.
Protein change: p.Ala189Thr; replaces alanine 189 with threonine.
Molecular consequence: missense variant.
Genome position (GRCh38, 1-based): chr11:64,211,325, G>A. VCF-style: chr11-64211325-G-A. GRCh37 (hg19) VCF-style: chr11-63978797-G-A.
Other names: c.565G>A, p.Ala189Thr (NM_001382361.1, NM_001382362.1, NM_001382448.1 and 1 more transcripts); c.25G>A, p.Ala9Thr (NM_001382363.1, NM_001382364.1); short protein forms A189T, A9T.
Identifiers: ClinVar variation 649164 (VCV000649164.7), dbSNP rs200176196, ClinGen allele CA6068813.